The following is an entry in ClinVar:

NM_015338.6(ASXL1):c.3071C>G (p.Thr1024Arg)

Gene: ASXL1 (ASXL transcriptional regulator 1; plus strand). Cytogenetic location: 20q11.21.
Variant type: single nucleotide variant.
Coding change: c.3071C>G on transcript NM_015338.6 (MANE Select); coding-DNA position 3071, C replaced by G.
Protein change: p.Thr1024Arg; replaces threonine 1024 with arginine.
Molecular consequence: missense variant.
Genome position (GRCh38, 1-based): chr20:32,435,783, C>G. VCF-style: chr20-32435783-C-G. GRCh37 (hg19) VCF-style: chr20-31023586-C-G.
Other names: c.2888C>G, p.Thr963Arg (NM_001363734.1); short protein forms T963R, T1024R.
Identifiers: ClinVar variation 2106670 (VCV002106670.4), dbSNP rs2011813253, ClinGen allele CA408562288.
Genomic context (GRCh38, chr20:32,435,783, plus strand): 5'-ACTTTGAAGGTCACCTCACGGAGGACAGCAGTGAGGCTGACACTAGAGAAGCTGCAGTGA[C>G]AAAGGGATCTTCGGTGGACAAGGATGAGAAACCCAATTGGAACCAATCTGCCCCACTGTC-3'
Protein context (NP_056153.2, residues 1014-1034): SEADTREAAV[Thr1024Arg]KGSSVDKDEK

ClinVar aggregate classification (germline): Uncertain significance (1 of 4 stars; one submission).

Allele frequency attached by ClinVar (database versions not stated): gnomAD exomes below 0.00001.
gnomAD v4.1: 1 of 1,614,220 alleles (0.000062%); highest among the groups gnomAD compares: Non-Finnish European, 0.000085%; no homozygotes.

Submission:

Labcorp Genetics (formerly Invitae), Labcorp
Classification: Uncertain significance. Last evaluated: 2022-09-06. Review status: criteria provided, single submitter. Criteria: Invitae Variant Classification Sherloc (09022015). Collection method: clinical testing. Allele origin: germline.
Comment: This sequence change replaces threonine, which is neutral and polar, with arginine, which is basic and polar, at codon 1024 of the ASXL1 protein (p.Thr1024Arg). This variant is not present in population databases (gnomAD no frequency). This variant has not been reported in the literature in individuals affected with ASXL1-related conditions. Algorithms developed to predict the effect of missense changes on protein structure and function (SIFT, PolyPhen-2, Align-GVGD) all suggest that this variant is likely to be tolerated. In summary, the available evidence is currently insufficient to determine the role of this variant in disease. Therefore, it has been classified as a Variant of Uncertain Significance.